The following is an entry in ClinVar:

NM_006393.3(NEBL):c.272G>A (p.Gly91Asp)

Gene: NEBL (nebulette; minus strand). Cytogenetic location: 10p12.31.
Variant type: single nucleotide variant.
Coding change: c.272G>A on transcript NM_006393.3 (MANE Select); coding-DNA position 272, G replaced by A.
Protein change: p.Gly91Asp; replaces glycine 91 with aspartic acid.
Molecular consequence: missense variant. On other transcripts: intron variant (9).
Genome position (GRCh38, 1-based): chr10:20,888,194, C>T on the plus strand (G>A on the coding strand, the complement: NEBL is on the minus strand). VCF-style: chr10-20888194-C-T. GRCh37 (hg19) VCF-style: chr10-21177123-C-T.
Other names: c.249+73478G>A (NM_001377326.1, NM_001377327.1, NM_001377328.1); c.357+73478G>A (NM_213569.2, NM_001173484.2, NM_001377322.1); c.300+73478G>A (NM_001377324.1); c.291+73478G>A (NM_001377325.1); c.309+73478G>A (NM_001377323.1); short protein forms G91D.
Identifiers: ClinVar variation 2497144 (VCV002497144.3), dbSNP rs768721125, ClinGen allele CA376096319.

ClinVar aggregate classification (germline): Uncertain significance. Review status: criteria provided, multiple submitters, no conflicts (2 of 4 stars). 2 submissions from 2 submitters: Uncertain significance (2). Last evaluated 2025-07-15.

Conditions:
Primary dilated cardiomyopathy (DCM). Also called: Dilated Cardiomyopathy. Identifiers: Orphanet 217604, MedGen C0007193, MeSH D002311, MONDO:0005021, HP:0001644. Inheritance: Various modes of inheritance.

Allele frequency attached by ClinVar (database versions not stated): TOPMed below 0.00001; gnomAD 0.00001.
gnomAD v4.1: 2 of 1,607,458 alleles (0.00012%); highest among the groups gnomAD compares: Non-Finnish European, 0.00017%; no homozygotes.

Submissions (2):

Labcorp Genetics (formerly Invitae), Labcorp
Classification: Uncertain significance for Primary dilated cardiomyopathy. Last evaluated: 2025-07-15. Review status: criteria provided, single submitter. Criteria: Invitae Variant Classification Sherloc (09022015). Collection method: clinical testing. Allele origin: germline.
Comment: This sequence change replaces glycine, which is neutral and non-polar, with aspartic acid, which is acidic and polar, at codon 91 of the NEBL protein (p.Gly91Asp). This variant is not present in population databases (gnomAD no frequency). This variant has not been reported in the literature in individuals affected with NEBL-related conditions. ClinVar contains an entry for this variant (Variation ID: 2497144). An algorithm developed to predict the effect of missense changes on protein structure and function (PolyPhen-2) suggests that this variant is likely to be disruptive. In summary, the available evidence is currently insufficient to determine the role of this variant in disease. Therefore, it has been classified as a Variant of Uncertain Significance.

Ambry Genetics
Classification: Uncertain significance. Last evaluated: 2023-02-12. Review status: criteria provided, single submitter. Criteria: Ambry Variant Classification Scheme 2023. Collection method: clinical testing. Allele origin: germline.
Comment: The p.G91D variant (also known as c.272G>A), located in coding exon 4 of the NEBL gene, results from a G to A substitution at nucleotide position 272. The glycine at codon 91 is replaced by aspartic acid, an amino acid with similar properties. This amino acid position is conserved. In addition, this alteration is predicted to be tolerated by in silico analysis. Since supporting evidence is limited at this time, the clinical significance of this alteration remains unclear.